The following is an entry in ClinVar:

ClinVar aggregate classification (germline): Uncertain significance. Review status: criteria provided, multiple submitters, no conflicts (2 of 4 stars). 2 submissions from 2 submitters: Uncertain significance (2). Last evaluated 2024-08-23.

Conditions:
Hereditary pancreatitis (PCTT). Also called: Hereditary chronic pancreatitis; PRSS1-Related Hereditary Pancreatitis. Identifiers: Orphanet 676, MedGen C0238339, MONDO:0008185, OMIM 167800.

Allele frequency attached by ClinVar (database versions not stated): gnomAD 0.00001; gnomAD exomes 0.00001; TOPMed 0.00001; ExAC 0.00002.

Submissions (2):

Ambry Genetics
Classification: Uncertain significance for Hereditary pancreatitis. Last evaluated: 2024-08-23. Review status: criteria provided, single submitter. Criteria: Ambry Variant Classification Scheme 2023. Collection method: clinical testing. Allele origin: germline.
Comment: The p.G166S variant (also known as c.496G>A), located in coding exon 5 of the CPA1 gene, results from a G to A substitution at nucleotide position 496. The glycine at codon 166 is replaced by serine, an amino acid with similar properties. This amino acid position is well conserved in available vertebrate species. In addition, this alteration is predicted to be tolerated by in silico analysis. Based on the available evidence, the clinical significance of this variant remains unclear.

Labcorp Genetics (formerly Invitae), Labcorp
Classification: Uncertain significance. Last evaluated: 2023-11-28. Review status: criteria provided, single submitter. Criteria: Invitae Variant Classification Sherloc (09022015). Collection method: clinical testing. Allele origin: germline.
Comment: This sequence change replaces glycine, which is neutral and non-polar, with serine, which is neutral and polar, at codon 166 of the CPA1 protein (p.Gly166Ser). This variant is present in population databases (rs782645228, gnomAD 0.002%). This variant has not been reported in the literature in individuals affected with CPA1-related conditions. ClinVar contains an entry for this variant (Variation ID: 863606). Advanced modeling of protein sequence and biophysical properties (such as structural, functional, and spatial information, amino acid conservation, physicochemical variation, residue mobility, and thermodynamic stability) performed at Invitae indicates that this missense variant is not expected to disrupt CPA1 protein function with a negative predictive value of 80%. In summary, the available evidence is currently insufficient to determine the role of this variant in disease. Therefore, it has been classified as a Variant of Uncertain Significance.

NM_001868.4(CPA1):c.496G>A (p.Gly166Ser)

Gene: CPA1 (carboxypeptidase A1; plus strand). Cytogenetic location: 7q32.2.
Variant type: single nucleotide variant.
Coding change: c.496G>A on transcript NM_001868.4 (MANE Select); coding-DNA position 496, G replaced by A.
Protein change: p.Gly166Ser; replaces glycine 166 with serine.
Molecular consequence: missense variant.
Genome position (GRCh38, 1-based): chr7:130,383,403, G>A. VCF-style: chr7-130383403-G-A. GRCh37 (hg19) VCF-style: chr7-130023244-G-A.
Other names: c.496G>A (NM_001868.2); short protein forms G166S.
Identifiers: ClinVar variation 863606 (VCV000863606.11), dbSNP rs782645228, ClinGen allele CA4484825.